The following is an entry in ClinVar:

NM_000433.4(NCF2):c.2T>C (p.Met1Thr)

Gene: NCF2 (neutrophil cytosolic factor 2; minus strand). Cytogenetic location: 1q25.3.
Variant type: single nucleotide variant.
Coding change: c.2T>C on transcript NM_000433.4 (MANE Select); coding-DNA position 2, T replaced by C.
Protein change: p.Met1Thr; changes the start codon (methionine 1).
Molecular consequence: missense variant, initiator codon variant.
Genome position (GRCh38, 1-based): chr1:183,590,328, A>G on the plus strand (T>C on the coding strand, the complement: NCF2 is on the minus strand). VCF-style: chr1-183590328-A-G. GRCh37 (hg19) VCF-style: chr1-183559463-A-G.
Other names: c.2T>C, p.Met1Thr (NM_001127651.3, NM_001190789.2, NM_001190794.2 and 1 more transcripts); short protein forms M1T.
Identifiers: ClinVar variation 2702941 (VCV002702941.3), dbSNP rs2528040305, ClinGen allele CA343685509.

ClinVar aggregate classification (germline): Pathogenic (1 of 4 stars; one submission).

Conditions:
Granulomatous disease, chronic, autosomal recessive, cytochrome b-positive, type 2. Also called: GRANULOMATOUS DISEASE, CHRONIC, DUE TO NCF2 DEFICIENCY; GRANULOMATOUS DISEASE, CHRONIC, AUTOSOMAL RECESSIVE, 2; CGD, AUTOSOMAL RECESSIVE CYTOCHROME b-POSITIVE, TYPE II; Chronic granulomatous disease due to deficiency of NCF-2; Chronic Granulomatous Disease, Autosomal Recessive, Cytochrome b-Positive, Type II. Identifiers: Orphanet 379, MedGen C1856245, MONDO:0009310, OMIM 233710.

Submission:

Labcorp Genetics (formerly Invitae), Labcorp
Classification: Pathogenic for Granulomatous disease, chronic, autosomal recessive, cytochrome b-positive, type 2. Last evaluated: 2023-12-13. Review status: criteria provided, single submitter. Criteria: Invitae Variant Classification Sherloc (09022015). Collection method: clinical testing. Allele origin: germline.
Comment: This sequence change affects the initiator methionine of the NCF2 mRNA. The next in-frame methionine is located at codon 46. This variant is not present in population databases (gnomAD no frequency). Disruption of the initiator codon has been observed in individual(s) with clinical features of chronic granulomatous disease (PMID: 20167518). This variant disrupts a region of the NCF2 protein in which other variant(s) (p.Lys19_Asp21del) have been determined to be pathogenic (PMID: 10498624, 10598813, 18625437; Invitae). This suggests that this is a clinically significant region of the protein, and that variants that disrupt it are likely to be disease-causing. For these reasons, this variant has been classified as Pathogenic.

Literature cited by the submitters: PubMed 20167518; PubMed 10498624; PubMed 10598813; PubMed 18625437.